The following is an entry in ClinVar:

NM_004523.4(KIF11):c.26C>G (p.Ala9Gly)

Gene: KIF11 (kinesin family member 11; plus strand). Cytogenetic location: 10q23.33.
Variant type: single nucleotide variant.
Coding change: c.26C>G on transcript NM_004523.4 (MANE Select); coding-DNA position 26, C replaced by G.
Protein change: p.Ala9Gly; replaces alanine 9 with glycine.
Molecular consequence: missense variant.
Genome position (GRCh38, 1-based): chr10:92,593,401, C>G. VCF-style: chr10-92593401-C-G. GRCh37 (hg19) VCF-style: chr10-94353158-C-G.
Other names: short protein forms A9G.
Identifiers: ClinVar variation 1025300 (VCV001025300.6), dbSNP rs764844734, ClinGen allele CA5603881.

ClinVar aggregate classification (germline): Uncertain significance (1 of 4 stars; one submission).

Allele frequency attached by ClinVar (database versions not stated): gnomAD exomes 0.00001 and 0.00002; TOPMed 0.00001; ExAC 0.00004.
gnomAD v4.1: 17 of 1,610,710 alleles (0.0011%); highest among the groups gnomAD compares: Admixed American, 0.0084%; no homozygotes.

Submission:

Labcorp Genetics (formerly Invitae), Labcorp
Classification: Uncertain significance. Last evaluated: 2023-09-08. Review status: criteria provided, single submitter. Criteria: Invitae Variant Classification Sherloc (09022015). Collection method: clinical testing. Allele origin: germline.
Comment: In summary, the available evidence is currently insufficient to determine the role of this variant in disease. Therefore, it has been classified as a Variant of Uncertain Significance. Algorithms developed to predict the effect of missense changes on protein structure and function output the following: SIFT: "Not Available"; PolyPhen-2: "Benign"; Align-GVGD: "Not Available". The glycine amino acid residue is found in multiple mammalian species, which suggests that this missense change does not adversely affect protein function. ClinVar contains an entry for this variant (Variation ID: 1025300). This variant has not been reported in the literature in individuals affected with KIF11-related conditions. This variant is present in population databases (rs764844734, gnomAD 0.01%). This sequence change replaces alanine, which is neutral and non-polar, with glycine, which is neutral and non-polar, at codon 9 of the KIF11 protein (p.Ala9Gly).